The following is an entry in ClinVar:

NM_021102.4(SPINT2):c.151A>G (p.Met51Val)

Gene: SPINT2 (serine peptidase inhibitor, Kunitz type 2; plus strand). Cytogenetic location: 19q13.2.
Variant type: single nucleotide variant.
Coding change: c.151A>G on transcript NM_021102.4 (MANE Select); coding-DNA position 151, A replaced by G.
Protein change: p.Met51Val; replaces methionine 51 with valine.
Molecular consequence: missense variant. On other transcripts: intron variant (1).
Genome position (GRCh38, 1-based): chr19:38,283,671, A>G. VCF-style: chr19-38283671-A-G. GRCh37 (hg19) VCF-style: chr19-38774311-A-G.
Other names: c.107-4205A>G (NM_001166103.2); c.151A>G (NM_021102.3); short protein forms M51V.
Identifiers: ClinVar variation 1439943 (VCV001439943.4), dbSNP rs202094610, ClinGen allele CA9411332.

ClinVar aggregate classification (germline): Uncertain significance. Review status: criteria provided, multiple submitters, no conflicts (2 of 4 stars). 2 submissions from 2 submitters: Uncertain significance (2). Last evaluated 2022-07-06.

Conditions:
Inborn genetic diseases. Identifiers: MedGen C0950123, MeSH D030342.

Allele frequency attached by ClinVar (database versions not stated): gnomAD 0.00004 and 0.00007; ESP Exome Variant Server 0.00008; ExAC 0.00012; 1000 Genomes Project 0.00020; 1000 Genomes Project 30x 0.00031.
gnomAD v4.1: 132 of 1,614,050 alleles (0.0082%); highest among the groups gnomAD compares: South Asian, 0.076%; 2 homozygotes.

Submissions (2):

Labcorp Genetics (formerly Invitae), Labcorp
Classification: Uncertain significance. Last evaluated: 2022-07-06. Review status: criteria provided, single submitter. Criteria: Invitae Variant Classification Sherloc (09022015). Collection method: clinical testing. Allele origin: germline.
Comment: This sequence change replaces methionine, which is neutral and non-polar, with valine, which is neutral and non-polar, at codon 51 of the SPINT2 protein (p.Met51Val). This variant is present in population databases (rs202094610, gnomAD 0.07%). This variant has not been reported in the literature in individuals affected with SPINT2-related conditions. ClinVar contains an entry for this variant (Variation ID: 1439943). Algorithms developed to predict the effect of missense changes on protein structure and function (SIFT, PolyPhen-2, Align-GVGD) all suggest that this variant is likely to be tolerated. In summary, the available evidence is currently insufficient to determine the role of this variant in disease. Therefore, it has been classified as a Variant of Uncertain Significance.

Ambry Genetics
Classification: Uncertain significance for Inborn genetic diseases. Last evaluated: 2021-09-01. Review status: criteria provided, single submitter. Criteria: Ambry Variant Classification Scheme 2023. Collection method: clinical testing. Allele origin: germline.